The following is an entry in ClinVar:

ClinVar aggregate classification (germline): Conflicting classifications of pathogenicity. Review status: criteria provided, conflicting classifications (1 of 4 stars). 3 submissions from 3 submitters: Pathogenic (1); Uncertain significance (1). 1 of the submissions does not count toward it. Last evaluated 2025-10-01.

Conditions:
CYP4V2-related disorder. Also called: CYP4V2-related condition; CYP4V2-related disorders.
Bietti crystalline corneoretinal dystrophy (BCD). Also called: BIETTI TAPETORETINAL DEGENERATION WITH MARGINAL CORNEAL DYSTROPHY; Bietti Crystalline Dystrophy. Identifiers: Orphanet 41751, MedGen C1859486, MONDO:0008865, OMIM 210370.

Allele frequency attached by ClinVar (database versions not stated): ExAC 0.00001; gnomAD 0.00001; gnomAD exomes 0.00001 and 0.00002; TOPMed 0.00003.
gnomAD v4.1: 8 of 1,613,948 alleles (0.0005%); highest among the groups gnomAD compares: Admixed American, 0.0083%; no homozygotes.

Submissions (3):

Labcorp Genetics (formerly Invitae), Labcorp
Classification: Pathogenic. Last evaluated: 2025-10-01. Review status: criteria provided, single submitter. Criteria: Invitae Variant Classification Sherloc (09022015). Collection method: clinical testing. Allele origin: germline.
Comment: This sequence change replaces threonine, which is neutral and polar, with isoleucine, which is neutral and non-polar, at codon 325 of the CYP4V2 protein (p.Thr325Ile). This variant is present in population databases (rs199476196, gnomAD 0.01%). This missense change has been observed in individual(s) with clinical features of CYP4V2-related conditions (PMID: 18398705; internal data). In at least one individual the data is consistent with being in trans (on the opposite chromosome) from a pathogenic variant. ClinVar contains an entry for this variant (Variation ID: 39274). Invitae Evidence Modeling of protein sequence and biophysical properties (such as structural, functional, and spatial information, amino acid conservation, physicochemical variation, residue mobility, and thermodynamic stability) indicates that this missense variant is expected to disrupt CYP4V2 protein function with a positive predictive value of 80%. For these reasons, this variant has been classified as Pathogenic.

PreventionGenetics, part of Exact Sciences
Classification: Uncertain significance for CYP4V2-related condition. Last evaluated: 2025-08-16. Review status: criteria provided, single submitter. Criteria: ACMG Guidelines, 2015. Collection method: clinical testing. Allele origin: germline.
Comment: The CYP4V2 c.974C>T variant is predicted to result in the amino acid substitution p.Thr325Ile. This variant was reported in the homozygous state in an individual with Bietti crystalline corneoretinal dystrophy (Zenteno et al. 2008. PubMed ID: 18398705). This variant is reported in 0.014% of alleles in individuals of Latino descent in gnomAD. Although we suspect that this variant may be pathogenic, at this time, the clinical significance of this variant is uncertain due to the absence of conclusive functional and genetic evidence.

GeneReviews
Classification: Pathogenic for Bietti Crystalline Dystrophy. Last evaluated: 2012-04-12. Review status: no assertion criteria provided. Collection method: curation. Allele origin: unknown. Not counted in ClinVar's aggregate classification.
ClinVar note: Converted during submission from pathologic to Pathogenic.

Literature cited by the submitters: PubMed 18398705 (cited by Labcorp Genetics (formerly Invitae), Labcorp).

NM_207352.4(CYP4V2):c.974C>T (p.Thr325Ile)

Gene: CYP4V2 (cytochrome P450 family 4 subfamily V member 2; plus strand). Cytogenetic location: 4q35.2.
Variant type: single nucleotide variant.
Coding change: c.974C>T on transcript NM_207352.4 (MANE Select); coding-DNA position 974, C replaced by T.
Protein change: p.Thr325Ile; replaces threonine 325 with isoleucine.
Molecular consequence: missense variant.
Genome position (GRCh38, 1-based): chr4:186,201,329, C>T. VCF-style: chr4-186201329-C-T. GRCh37 (hg19) VCF-style: chr4-187122483-C-T.
Other names: c.1278C>T; short protein forms T325I.
Identifiers: ClinVar variation 39274 (VCV000039274.10), dbSNP rs199476196, ClinGen allele CA343745.